The following is an entry in ClinVar:

NM_001042472.3(ABHD12):c.254C>A (p.Ala85Asp)

Gene: ABHD12 (abhydrolase domain containing 12, lysophospholipase; minus strand). Cytogenetic location: 20p11.21.
Variant type: single nucleotide variant.
Coding change: c.254C>A on transcript NM_001042472.3 (MANE Select); coding-DNA position 254, C replaced by A.
Protein change: p.Ala85Asp; replaces alanine 85 with aspartic acid.
Molecular consequence: missense variant.
Genome position (GRCh38, 1-based): chr20:25,339,289, G>T on the plus strand (C>A on the coding strand, the complement: ABHD12 is on the minus strand). VCF-style: chr20-25339289-G-T. GRCh37 (hg19) VCF-style: chr20-25319925-G-T.
Other names: c.254C>A, p.Ala85Asp (NM_015600.5); short protein forms A85D.
Identifiers: ClinVar variation 1716340 (VCV001716340.5), dbSNP rs1362833588, ClinGen allele CA408445779.

ClinVar aggregate classification (germline): Uncertain significance (1 of 4 stars; one submission).

Allele frequency attached by ClinVar (database versions not stated): gnomAD exomes below 0.00001.
gnomAD v4.1: 1 of 1,614,114 alleles (0.000062%); highest among the groups gnomAD compares: Admixed American, 0.0017%; no homozygotes.

Submission:

Labcorp Genetics (formerly Invitae), Labcorp
Classification: Uncertain significance. Last evaluated: 2022-08-13. Review status: criteria provided, single submitter. Criteria: Invitae Variant Classification Sherloc (09022015). Collection method: clinical testing. Allele origin: germline.
Comment: This variant is present in population databases (no rsID available, gnomAD 0.003%). In summary, the available evidence is currently insufficient to determine the role of this variant in disease. Therefore, it has been classified as a Variant of Uncertain Significance. Algorithms developed to predict the effect of missense changes on protein structure and function are either unavailable or do not agree on the potential impact of this missense change (SIFT: "Deleterious"; PolyPhen-2: "Possibly Damaging"; Align-GVGD: "Class C0"). This variant has not been reported in the literature in individuals affected with ABHD12-related conditions. This sequence change replaces alanine, which is neutral and non-polar, with aspartic acid, which is acidic and polar, at codon 85 of the ABHD12 protein (p.Ala85Asp).